The following is an entry in ClinVar:

ClinVar aggregate classification (germline): Uncertain significance (1 of 4 stars; one submission).

Conditions:
Cohen syndrome (COH1). Also called: PEPPER SYNDROME; Cutis verticis gyrata, retinitis pigmentosa, and sensorineural deafness. Identifiers: Orphanet 193, MedGen C0265223, MONDO:0008999, OMIM 216550.

Submission:

Labcorp Genetics (formerly Invitae), Labcorp
Classification: Uncertain significance for Cohen syndrome. Last evaluated: 2022-08-21. Review status: criteria provided, single submitter. Criteria: Invitae Variant Classification Sherloc (09022015). Collection method: clinical testing. Allele origin: germline.
Comment: In summary, the available evidence is currently insufficient to determine the role of this variant in disease. Therefore, it has been classified as a Variant of Uncertain Significance. Algorithms developed to predict the effect of missense changes on protein structure and function are either unavailable or do not agree on the potential impact of this missense change (SIFT: "Not Available"; PolyPhen-2: "Possibly Damaging"; Align-GVGD: "Not Available"). This variant has not been reported in the literature in individuals affected with VPS13B-related conditions. This variant is not present in population databases (gnomAD no frequency). This sequence change replaces threonine, which is neutral and polar, with alanine, which is neutral and non-polar, at codon 1638 of the VPS13B protein (p.Thr1638Ala).

NM_152564.5(VPS13B):c.4837A>G (p.Thr1613Ala)

Gene: VPS13B (vacuolar protein sorting 13 homolog B; plus strand). Cytogenetic location: 8q22.2.
Variant type: single nucleotide variant.
Coding change: c.4837A>G on transcript NM_152564.5 (MANE Select); coding-DNA position 4837, A replaced by G.
Protein change: p.Thr1613Ala; replaces threonine 1613 with alanine.
Molecular consequence: missense variant.
Genome position (GRCh38, 1-based): chr8:99,556,541, A>G. VCF-style: chr8-99556541-A-G. GRCh37 (hg19) VCF-style: chr8-100568769-A-G.
Other names: c.4912A>G, p.Thr1638Ala (NM_017890.5); short protein forms T1613A, T1638A.
Identifiers: ClinVar variation 1716354 (VCV001716354.5), dbSNP rs2490789623, ClinGen allele CA371869229.